The following is an entry in ClinVar:

NM_001267550.2(TTN):c.36118+4C>T

Gene: TTN (titin; minus strand). Cytogenetic location: 2q31.2.
Variant type: single nucleotide variant.
Coding change: c.36118+4C>T on transcript NM_001267550.2 (MANE Select); 4 bases into the intron after coding-DNA position 36118, C replaced by T.
Molecular consequence: intron variant.
Genome position (GRCh38, 1-based): chr2:178,664,848, G>A on the plus strand (C>T on the coding strand, the complement: TTN is on the minus strand). VCF-style: chr2-178664848-G-A. GRCh37 (hg19) VCF-style: chr2-179529575-G-A.
Other names: c.13283-22531C>T (NM_003319.4); c.13859-22531C>T (NM_133437.4); c.13658-22531C>T (NM_133432.3); c.31484-1793C>T (NM_133378.4); c.34265-1793C>T (NM_001256850.1).
Identifiers: ClinVar variation 4981170 (VCV004981170.1).

ClinVar aggregate classification (germline): Likely benign (1 of 4 stars; one submission).

Conditions:
TTN-related disorder. Also called: TTN-related disorders; TTN-related condition; TTN-related disease.

gnomAD v4.1: 14 of 1,611,316 alleles (0.00087%); highest among the groups gnomAD compares: African/African-American, 0.017%; no homozygotes.

Submission:

PreventionGenetics, part of Exact Sciences
Classification: Likely benign for TTN-related condition. Last evaluated: 2025-07-16. Review status: criteria provided, single submitter. Criteria: ACMG Guidelines, 2015. Collection method: clinical testing. Allele origin: germline.
Comment: This variant is classified as likely benign based on ACMG/AMP sequence variant interpretation guidelines (Richards et al. 2015 PMID: 25741868, with internal and published modifications).